The following is an entry in ClinVar:

ClinVar aggregate classification (germline): Benign/Likely benign. Review status: criteria provided, multiple submitters, no conflicts (2 of 4 stars). 3 submissions from 3 submitters: Benign (2); Likely benign (1). Last evaluated 2026-05-08.

Conditions:
IPO8-related disorder. Also called: IPO8-related condition.

gnomAD v4.1: 827,227 of 1,609,624 alleles (51%); highest among the groups gnomAD compares: African/African-American, 67%; 216,396 homozygotes.

Submissions (3):

Women's Health and Genetics/Laboratory Corporation of America, LabCorp
Classification: Benign. Last evaluated: 2026-05-08. Review status: criteria provided, single submitter. Criteria: LabCorp Variant Classification Summary - May 2015. Collection method: clinical testing. Allele origin: germline.

PreventionGenetics, part of Exact Sciences
Classification: Benign for IPO8-related condition. Last evaluated: 2025-03-12. Review status: criteria provided, single submitter. Criteria: ACMG Guidelines, 2015. Collection method: clinical testing. Allele origin: germline.
Comment: This variant is classified as benign based on ACMG/AMP sequence variant interpretation guidelines (Richards et al. 2015 PMID: 25741868, with internal and published modifications).

Blueprint Genetics
Classification: Likely benign. Last evaluated: 2024-11-27. Review status: criteria provided, single submitter. Criteria: ACMG Guidelines, 2015. Collection method: clinical testing. Allele origin: germline.

NM_006390.4(IPO8):c.969T>C (p.Leu323=)

Gene: IPO8 (importin 8; minus strand). Cytogenetic location: 12p11.21.
Variant type: single nucleotide variant.
Coding change: c.969T>C on transcript NM_006390.4 (MANE Select); coding-DNA position 969, T replaced by C.
Protein change: p.Leu323=; no amino-acid change (leucine 323 retained).
Molecular consequence: synonymous variant.
Genome position (GRCh38, 1-based): chr12:30,671,037, A>G on the plus strand (T>C on the coding strand, the complement: IPO8 is on the minus strand). VCF-style: chr12-30671037-A-G. GRCh37 (hg19) VCF-style: chr12-30823971-A-G.
Other names: c.354T>C, p.Leu118= (NM_001190995.2); c.969T>C (NM_006390.3).
Identifiers: ClinVar variation 4853431 (VCV004853431.3).
Genomic context (GRCh38, chr12:30,671,037, plus strand): 5'-CATCTGCTTCCAGGTTATAGAATGAACCACCCCTTGGTTGAGATAGTTGAATGCTTGCTG[A>G]AGAACACGGGGAGCTACATATTCTTTCTGTCTATATTGATCTAAAATTTTTAGTAGCACC-3'
Protein context (NP_006381.2, residues 313-333): RQKEYVAPRV[Leu323=]QQAFNYLNQG